The following is an entry in ClinVar:

NM_001283009.2(RTEL1):c.1992T>G (p.Asp664Glu)

Genes: RTEL1 (regulator of telomere elongation helicase 1; plus strand), RTEL1-TNFRSF6B (RTEL1-TNFRSF6B readthrough (NMD candidate); plus strand). Cytogenetic location: 20q13.33.
Variant type: single nucleotide variant.
Coding change: c.1992T>G on transcript NM_001283009.2 (MANE Select); coding-DNA position 1992, T replaced by G.
Protein change: p.Asp664Glu; replaces aspartic acid 664 with glutamic acid.
Molecular consequence: missense variant. On other transcripts: non-coding transcript variant (1).
Genome position (GRCh38, 1-based): chr20:63,689,615, T>G. VCF-style: chr20-63689615-T-G. GRCh37 (hg19) VCF-style: chr20-62320968-T-G.
Other names: c.1323T>G, p.Asp441Glu (NM_001283010.1); c.1992T>G, p.Asp664Glu (NM_016434.4); c.2064T>G, p.Asp688Glu (NM_032957.5); short protein forms D664E, D688E, D441E.
Identifiers: ClinVar variation 3791069 (VCV003791069.1).

ClinVar aggregate classification (germline): Uncertain significance (1 of 4 stars; one submission).

Conditions:
Inborn genetic diseases. Identifiers: MedGen C0950123, MeSH D030342.

Submission:

Ambry Genetics
Classification: Uncertain significance for Inborn genetic diseases. Last evaluated: 2025-01-17. Review status: criteria provided, single submitter. Criteria: Ambry Variant Classification Scheme 2023. Collection method: clinical testing. Allele origin: germline.
Comment: The p.D664E variant (also known as c.1992T>G), located in coding exon 22 of the RTEL1 gene, results from a T to G substitution at nucleotide position 1992. The aspartic acid at codon 664 is replaced by glutamic acid, an amino acid with highly similar properties. This amino acid position is conserved. In addition, the in silico prediction for this alteration is inconclusive. Based on the available evidence, the clinical significance of this variant remains unclear.